The following is an entry in ClinVar:

ClinVar aggregate classification (germline): Conflicting classifications of pathogenicity. Review status: criteria provided, conflicting classifications (1 of 4 stars). 3 submissions from 3 submitters: Uncertain significance (2); Benign (1). Last evaluated 2025-12-14.

Conditions:
Ehlers-Danlos syndrome, classic type, 1 (EDSCL1). Also called: EHLERS-DANLOS SYNDROME, GRAVIS TYPE; EHLERS-DANLOS SYNDROME, SEVERE CLASSIC TYPE; Ehlers-Danlos syndrome, type 1; Ehlers-Danlos Syndrome, Classic Type, COL5A1-Related; EDS I. Identifiers: MedGen C0268335, MONDO:0019567, OMIM 130000.

Allele frequency attached by ClinVar (database versions not stated): TOPMed 0.00001; ExAC 0.00002; gnomAD exomes 0.00002.
gnomAD v4.1: 35 of 1,614,218 alleles (0.0022%); highest among the groups gnomAD compares: South Asian, 0.0055%; no homozygotes.

Submissions (3):

Labcorp Genetics (formerly Invitae), Labcorp
Classification: Benign for Ehlers-Danlos syndrome, classic type, 1. Last evaluated: 2025-12-14. Review status: criteria provided, single submitter. Criteria: Invitae Variant Classification Sherloc (09022015). Collection method: clinical testing. Allele origin: germline.

GeneDx
Classification: Uncertain significance. Last evaluated: 2022-06-29. Review status: criteria provided, single submitter. Criteria: GeneDx Variant Classification Process June 2021. Collection method: clinical testing. Allele origin: germline. Affected: yes.
Comment: Not observed at significant frequency in large population cohorts (gnomAD); In silico analysis supports that this missense variant does not alter protein structure/function; Not located in the triple helical region, where the majority of pathogenic missense variants occur (Symoens et al., 2012; HGMD); Has not been previously published as pathogenic or benign to our knowledge; This variant is associated with the following publications: (PMID: 22696272)

CeGaT Center for Human Genetics Tuebingen
Classification: Uncertain significance. Last evaluated: 2016-06-01. Review status: criteria provided, single submitter. Criteria: CeGaT Center For Human Genetics Tuebingen Variant Classification Criteria Version 2. Collection method: clinical testing. Allele origin: germline. Affected: yes. Observed: 1 variant allele.

NM_000093.5(COL5A1):c.1351G>A (p.Glu451Lys)

Gene: COL5A1 (collagen type V alpha 1 chain; plus strand). Cytogenetic location: 9q34.3.
Variant type: single nucleotide variant.
Coding change: c.1351G>A on transcript NM_000093.5 (MANE Select); coding-DNA position 1351, G replaced by A.
Protein change: p.Glu451Lys; replaces glutamic acid 451 with lysine.
Molecular consequence: missense variant.
Genome position (GRCh38, 1-based): chr9:134,732,089, G>A. VCF-style: chr9-134732089-G-A. GRCh37 (hg19) VCF-style: chr9-137623935-G-A.
Other names: p.E451K:GAG>AAG; c.1351G>A, p.Glu451Lys (NM_001278074.1); short protein forms E451K.
Identifiers: ClinVar variation 213024 (VCV000213024.52), dbSNP rs755546104, ClinGen allele CA323423.
Genomic context (GRCh38, chr9:134,732,089, plus strand): 5'-TTCTCTCTGATTCTCTTTCCATCTGCCTTTTATCACCCCCAGATTGGAGGACCTCGGGGC[G>A]AGAAAGGCCAAAAGGGAGAACCAGCGATTATCGAGCCGGTGAGGACATTTTCTCATTCCC-3'
Protein context (NP_000084.3, residues 441-461): IYEGIGGPRG[Glu451Lys]KGQKGEPAII